The following is an entry in ClinVar:

ClinVar aggregate classification (germline): Uncertain significance (1 of 4 stars; one submission).

gnomAD v4.1: 1 of 1,551,046 alleles (0.000064%); no homozygotes.

Submission:

Women's Health and Genetics/Laboratory Corporation of America, LabCorp
Classification: Uncertain significance. Last evaluated: 2025-03-06. Review status: criteria provided, single submitter. Criteria: LabCorp Variant Classification Summary - May 2015. Collection method: clinical testing. Allele origin: germline.
Comment: Variant summary: SHANK2 c.412-7G>C alters a non-conserved nucleotide located close to a canonical splice site and therefore could affect mRNA splicing, leading to a significantly altered protein sequence. Consensus agreement among computation tools predict no significant impact on normal splicing. However, these predictions have yet to be confirmed by functional studies. The frequency data for this variant in gnomAD is considered unreliable, as metrics indicate poor data quality at this position. To our knowledge, no occurrence of c.412-7G>C in individuals affected with Autism, Susceptibility To, 17 and no experimental evidence demonstrating its impact on protein function have been reported. No submitters have cited clinical-significance assessments for this variant to ClinVar. Based on the evidence outlined above, the variant was classified as uncertain significance.

NM_012309.5(SHANK2):c.412-7G>C

Gene: SHANK2 (SH3 and multiple ankyrin repeat domains 2; minus strand). Cytogenetic location: 11q13.4.
Variant type: single nucleotide variant.
Coding change: c.412-7G>C on transcript NM_012309.5 (MANE Select); 7 bases into the intron before coding-DNA position 412, G replaced by C.
Molecular consequence: intron variant.
Genome position (GRCh38, 1-based): chr11:71,113,371, C>G on the plus strand (G>C on the coding strand, the complement: SHANK2 is on the minus strand). VCF-style: chr11-71113371-C-G. GRCh37 (hg19) VCF-style: chr11-70824417-C-G.
Identifiers: ClinVar variation 3895807 (VCV003895807.1).
Genomic context (GRCh38, chr11:71,113,371, plus strand): 5'-CAACTGTTTCTCATCGAGACTGGCTTGTTTATACACCCGCTTCTTGTATCGAAACTGGCA[C>G]AGAAAACAAAAAAGAGAGAGAAAACAAGTCAATACTTCTCAGAGTTGTTCAGAGGGAAAA-3'